The following is an entry in ClinVar:

ClinVar aggregate classification (germline): Likely pathogenic (1 of 4 stars; one submission).

Conditions:
Hereditary insensitivity to pain with anhidrosis (CIPA). Also called: NTRK1 Congenital Insensitivity to Pain with Anhidrosis; INSENSITIVITY TO PAIN, CONGENITAL, WITH ANHIDROSIS; hereditary sensory and autonomic neuropathy type 4; FAMILIAL DYSAUTONOMIA, TYPE II; NEUROPATHY, CONGENITAL SENSORY, WITH ANHIDROSIS; HSAN Type IV. Identifiers: Orphanet 642, MedGen C0020074, MONDO:0009746, OMIM 256800.

Allele frequency attached by ClinVar (database versions not stated): gnomAD exomes below 0.00001 and 0.00001; gnomAD 0.00001.
gnomAD v4.1: 4 of 1,597,796 alleles (0.00025%); highest among the groups gnomAD compares: Non-Finnish European, 0.00034%; no homozygotes.

Submission:

Labcorp Genetics (formerly Invitae), Labcorp
Classification: Likely pathogenic for Hereditary insensitivity to pain with anhidrosis. Last evaluated: 2017-07-09. Review status: criteria provided, single submitter. Criteria: Invitae Variant Classification Sherloc (09022015). Collection method: clinical testing. Allele origin: germline.
Comment: This sequence change affects a donor splice site in intron 14 of the NTRK1 gene. It is expected to disrupt RNA splicing and likely results in an absent or disrupted protein product. This variant is not present in population databases (ExAC no frequency). This variant has not been reported in the literature in individuals with NTRK1-related disease. Algorithms developed to predict the effect of sequence changes on RNA splicing suggest that this variant may disrupt the consensus splice site, but this prediction has not been confirmed by published transcriptional studies. Donor and acceptor splice site variants typically lead to a loss of protein function (PMID: 16199547), and loss-of-function variants in NTRK1 are known to be pathogenic (PMID: 10982191). In summary, the currently available evidence indicates that the variant is pathogenic, but additional data are needed to prove that conclusively. Therefore, this variant has been classified as Likely Pathogenic.

Literature cited by the submitters: PubMed 16199547; PubMed 10982191.

NM_002529.4(NTRK1):c.2046+1G>T

Gene: NTRK1 (neurotrophic receptor tyrosine kinase 1; plus strand). Cytogenetic location: 1q23.1.
Variant type: single nucleotide variant.
Coding change: c.2046+1G>T on transcript NM_002529.4 (MANE Select); the canonical splice donor site of the intron after coding-DNA position 2046, G replaced by T.
Molecular consequence: splice donor variant.
Genome position (GRCh38, 1-based): chr1:156,879,363, G>T. VCF-style: chr1-156879363-G-T. GRCh37 (hg19) VCF-style: chr1-156849155-G-T.
Other names: c.1938+1G>T (NM_001007792.1); c.2028+1G>T (NM_001012331.2).
Identifiers: ClinVar variation 456612 (VCV000456612.7), dbSNP rs1452844753, ClinGen allele CA342940136.
Genomic context (GRCh38, chr1:156,879,363, plus strand): 5'-GTGGTCAAGATTGGTGATTTTGGCATGAGCAGGGATATCTACAGCACCGACTATTACCGT[G>T]TAAGGGTCCTTTGTCCCCAACGCCTTCCCCTGCATCCAAACTGTAGACACCCTGGATCCC-3'